The following is an entry in ClinVar:

NM_020163.3(SEMA3G):c.290C>T (p.Pro97Leu)

Gene: SEMA3G (semaphorin 3G; minus strand). Cytogenetic location: 3p21.1.
Variant type: single nucleotide variant.
Coding change: c.290C>T on transcript NM_020163.3 (MANE Select); coding-DNA position 290, C replaced by T.
Protein change: p.Pro97Leu; replaces proline 97 with leucine.
Molecular consequence: missense variant.
Genome position (GRCh38, 1-based): chr3:52,442,608, G>A on the plus strand (C>T on the coding strand, the complement: SEMA3G is on the minus strand). VCF-style: chr3-52442608-G-A. GRCh37 (hg19) VCF-style: chr3-52476624-G-A.
Other names: c.290C>T (NM_020163.1); short protein forms P97L.
Identifiers: ClinVar variation 3349819 (VCV003349819.2).

ClinVar aggregate classification (germline): Uncertain significance. Review status: criteria provided, single submitter (1 of 4 stars). 2 submissions from 2 submitters: Uncertain significance (1). 1 of the submissions does not count toward it. Last evaluated 2025-01-03.

Conditions:
SEMA3G-related disorder. Also called: SEMA3G-related condition.

gnomAD v4.1: 25 of 1,613,968 alleles (0.0015%); highest among the groups gnomAD compares: South Asian, 0.0022%; no homozygotes.

Submissions (2):

Ambry Genetics
Classification: Uncertain significance. Last evaluated: 2025-01-03. Review status: criteria provided, single submitter. Criteria: Ambry Variant Classification Scheme 2023. Collection method: clinical testing. Allele origin: germline.

PreventionGenetics, part of Exact Sciences
Classification: Uncertain significance for SEMA3G-related condition. Last evaluated: 2023-11-30. Review status: no assertion criteria provided. Collection method: clinical testing. Allele origin: germline. Not counted in ClinVar's aggregate classification.
Comment: The SEMA3G c.290C>T variant is predicted to result in the amino acid substitution p.Pro97Leu. To our knowledge, this variant has not been reported in the literature. This variant is reported in 0.0054% of alleles in individuals of East Asian descent in gnomAD. At this time, the clinical significance of this variant is uncertain due to the absence of conclusive functional and genetic evidence.